The following is an entry in ClinVar:

ClinVar aggregate classification (germline): Uncertain significance (1 of 4 stars; one submission).

Allele frequency attached by ClinVar (database versions not stated): gnomAD exomes below 0.00001.
gnomAD v4.1: 1 of 1,613,788 alleles (0.000062%); highest among the groups gnomAD compares: Non-Finnish European, 0.000085%; no homozygotes.

Submission:

Ambry Genetics
Classification: Uncertain significance. Last evaluated: 2022-04-29. Review status: criteria provided, single submitter. Criteria: Ambry Variant Classification Scheme 2023. Collection method: clinical testing. Allele origin: germline.
Comment: The p.V1757A variant (also known as c.5270T>C), located in coding exon 16 of the POLQ gene, results from a T to C substitution at nucleotide position 5270. The valine at codon 1757 is replaced by alanine, an amino acid with similar properties. This amino acid position is conserved. In addition, this alteration is predicted to be tolerated by in silico analysis. Since supporting evidence is limited at this time, the clinical significance of this alteration remains unclear.

NM_199420.4(POLQ):c.5270T>C (p.Val1757Ala)

Gene: POLQ (DNA polymerase theta; minus strand). Cytogenetic location: 3q13.33.
Variant type: single nucleotide variant.
Coding change: c.5270T>C on transcript NM_199420.4 (MANE Select); coding-DNA position 5270, T replaced by C.
Protein change: p.Val1757Ala; replaces valine 1757 with alanine.
Molecular consequence: missense variant.
Genome position (GRCh38, 1-based): chr3:121,487,661, A>G on the plus strand (T>C on the coding strand, the complement: POLQ is on the minus strand). VCF-style: chr3-121487661-A-G. GRCh37 (hg19) VCF-style: chr3-121206508-A-G.
Other names: short protein forms V1757A.
Identifiers: ClinVar variation 1746516 (VCV001746516.2), dbSNP rs2546784905, ClinGen allele CA354090734.